The following is an entry in ClinVar:

ClinVar aggregate classification (germline): Uncertain significance (1 of 4 stars; one submission).

Allele frequency attached by ClinVar (database versions not stated): gnomAD exomes below 0.00001; gnomAD 0.00001.
gnomAD v4.1: 3 of 1,613,486 alleles (0.00019%); highest among the groups gnomAD compares: East Asian, 0.0045%; no homozygotes.

Submission:

Labcorp Genetics (formerly Invitae), Labcorp
Classification: Uncertain significance. Last evaluated: 2023-10-03. Review status: criteria provided, single submitter. Criteria: Invitae Variant Classification Sherloc (09022015). Collection method: clinical testing. Allele origin: germline.
Comment: This sequence change replaces alanine, which is neutral and non-polar, with threonine, which is neutral and polar, at codon 4176 of the PCLO protein (p.Ala4176Thr). The frequency data for this variant in the population databases is considered unreliable, as metrics indicate poor data quality at this position in the gnomAD database. This variant has not been reported in the literature in individuals affected with PCLO-related conditions. ClinVar contains an entry for this variant (Variation ID: 1366172). Experimental studies and prediction algorithms are not available or were not evaluated, and the functional significance of this variant is currently unknown. In summary, the available evidence is currently insufficient to determine the role of this variant in disease. Therefore, it has been classified as a Variant of Uncertain Significance.

NM_033026.6(PCLO):c.12526G>A (p.Ala4176Thr)

Gene: PCLO (piccolo presynaptic cytomatrix protein; minus strand). Cytogenetic location: 7q21.11.
Variant type: single nucleotide variant.
Coding change: c.12526G>A on transcript NM_033026.6 (MANE Select); coding-DNA position 12526, G replaced by A.
Protein change: p.Ala4176Thr; replaces alanine 4176 with threonine.
Molecular consequence: missense variant.
Genome position (GRCh38, 1-based): chr7:82,915,460, C>T on the plus strand (G>A on the coding strand, the complement: PCLO is on the minus strand). VCF-style: chr7-82915460-C-T. GRCh37 (hg19) VCF-style: chr7-82544776-C-T.
Other names: c.12526G>A, p.Ala4176Thr (NM_014510.3); short protein forms A4176T.
Identifiers: ClinVar variation 1366172 (VCV001366172.8), dbSNP rs919368539, ClinGen allele CA161121156.